The following is an entry in ClinVar:

NM_001206744.2(TPO):c.72G>A (p.Ser24=)

Gene: TPO (thyroid peroxidase; plus strand). Cytogenetic location: 2p25.3.
Variant type: single nucleotide variant.
Coding change: c.72G>A on transcript NM_001206744.2 (MANE Select); coding-DNA position 72, G replaced by A.
Protein change: p.Ser24=; no amino-acid change (serine 24 retained).
Molecular consequence: synonymous variant.
Genome position (GRCh38, 1-based): chr2:1,414,480, G>A. VCF-style: chr2-1414480-G-A. GRCh37 (hg19) VCF-style: chr2-1418252-G-A.
Other names: c.72G>A, p.Ser24= (NM_000547.6, NM_001206745.2, NM_175719.4 and 2 more transcripts).
Identifiers: ClinVar variation 2905429 (VCV002905429.13), dbSNP rs771109087, ClinGen allele CA1511276.

ClinVar aggregate classification (germline): Likely benign. Review status: criteria provided, multiple submitters, no conflicts (2 of 4 stars). 2 submissions from 2 submitters: Likely benign (2). Last evaluated 2025-06-01.

Allele frequency attached by ClinVar (database versions not stated): ExAC 0.00001; gnomAD 0.00001; TOPMed 0.00002.
gnomAD v4.1: 21 of 1,613,858 alleles (0.0013%); highest among the groups gnomAD compares: East Asian, 0.0022%; no homozygotes.

Submissions (2):

CeGaT Center for Human Genetics Tuebingen
Classification: Likely benign. Last evaluated: 2025-06-01. Review status: criteria provided, single submitter. Criteria: CeGaT Center For Human Genetics Tuebingen Variant Classification Criteria Version 2. Collection method: clinical testing. Allele origin: germline. Affected: yes. Observed: 1 variant allele.
Comment: TPO: BP4, BP7

Labcorp Genetics (formerly Invitae), Labcorp
Classification: Likely benign. Last evaluated: 2024-02-16. Review status: criteria provided, single submitter. Criteria: Invitae Variant Classification Sherloc (09022015). Collection method: clinical testing. Allele origin: germline.